The following is an entry in ClinVar:

NM_006767.4(LZTR1):c.112G>A (p.Val38Ile)

Genes: LZTR1 (leucine zipper like post translational regulator 1; plus strand), LOC130067016 (ATAC-STARR-seq lymphoblastoid silent region 13504; plus strand). Cytogenetic location: 22q11.21.
Variant type: single nucleotide variant.
Coding change: c.112G>A on transcript NM_006767.4 (MANE Select); coding-DNA position 112, G replaced by A.
Protein change: p.Val38Ile; replaces valine 38 with isoleucine.
Molecular consequence: missense variant.
Genome position (GRCh38, 1-based): chr22:20,982,483, G>A. VCF-style: chr22-20982483-G-A. GRCh37 (hg19) VCF-style: chr22-21336772-G-A.
Other names: short protein forms V38I.
Identifiers: ClinVar variation 1727947 (VCV001727947.4), dbSNP rs2518607835, ClinGen allele CA410777764.

ClinVar aggregate classification (germline): Uncertain significance. Review status: criteria provided, multiple submitters, no conflicts (2 of 4 stars). 2 submissions from 2 submitters: Uncertain significance (2). Last evaluated 2024-08-13.

Conditions:
Cardiovascular phenotype. Identifiers: MedGen CN230736.
Hereditary cancer-predisposing syndrome. Also called: Tumor predisposition; Neoplastic Syndromes, Hereditary; Hereditary Cancer Syndrome; Hereditary neoplastic syndrome. Identifiers: Orphanet 140162, MedGen C0027672, MeSH D009386, MONDO:0015356.

Submissions (2):

Labcorp Genetics (formerly Invitae), Labcorp
Classification: Uncertain significance. Last evaluated: 2024-08-13. Review status: criteria provided, single submitter. Criteria: Invitae Variant Classification Sherloc (09022015). Collection method: clinical testing. Allele origin: germline.
Comment: This sequence change replaces valine, which is neutral and non-polar, with isoleucine, which is neutral and non-polar, at codon 38 of the LZTR1 protein (p.Val38Ile). This variant is not present in population databases (gnomAD no frequency). This variant has not been reported in the literature in individuals affected with LZTR1-related conditions. ClinVar contains an entry for this variant (Variation ID: 1727947). Invitae Evidence Modeling of protein sequence and biophysical properties (such as structural, functional, and spatial information, amino acid conservation, physicochemical variation, residue mobility, and thermodynamic stability) indicates that this missense variant is not expected to disrupt LZTR1 protein function with a negative predictive value of 80%. In summary, the available evidence is currently insufficient to determine the role of this variant in disease. Therefore, it has been classified as a Variant of Uncertain Significance.

Ambry Genetics
Classification: Uncertain significance for Cardiovascular phenotype; Hereditary cancer-predisposing syndrome. Last evaluated: 2022-07-04. Review status: criteria provided, single submitter. Criteria: Ambry Variant Classification Scheme 2023. Collection method: clinical testing. Allele origin: germline.
Comment: The p.V38I variant (also known as c.112G>A), located in coding exon 1 of the LZTR1 gene, results from a G to A substitution at nucleotide position 112. The valine at codon 38 is replaced by isoleucine, an amino acid with highly similar properties. This amino acid position is conserved. In addition, this alteration is predicted to be tolerated by in silico analysis. Since supporting evidence is limited at this time, the clinical significance of this alteration remains unclear.